The following is an entry in ClinVar:

ClinVar aggregate classification (germline): Uncertain significance (1 of 4 stars; one submission).

Allele frequency attached by ClinVar (database versions not stated): gnomAD exomes below 0.00001.
gnomAD v4.1: 2 of 1,565,000 alleles (0.00013%); highest among the groups gnomAD compares: Middle Eastern, 0.017%; no homozygotes.

Submission:

Labcorp Genetics (formerly Invitae), Labcorp
Classification: Uncertain significance. Last evaluated: 2022-07-21. Review status: criteria provided, single submitter. Criteria: Invitae Variant Classification Sherloc (09022015). Collection method: clinical testing. Allele origin: germline.
Comment: This sequence change replaces isoleucine, which is neutral and non-polar, with valine, which is neutral and non-polar, at codon 82 of the POLE2 protein (p.Ile82Val). This variant is not present in population databases (gnomAD no frequency). This variant has not been reported in the literature in individuals affected with POLE2-related conditions. Algorithms developed to predict the effect of missense changes on protein structure and function output the following: SIFT: "Tolerated"; PolyPhen-2: "Benign"; Align-GVGD: "Class C0". The valine amino acid residue is found in multiple mammalian species, which suggests that this missense change does not adversely affect protein function. In summary, the available evidence is currently insufficient to determine the role of this variant in disease. Therefore, it has been classified as a Variant of Uncertain Significance.

NM_002692.4(POLE2):c.244A>G (p.Ile82Val)

Gene: POLE2 (DNA polymerase epsilon 2, accessory subunit; minus strand). Cytogenetic location: 14q21.3.
Variant type: single nucleotide variant.
Coding change: c.244A>G on transcript NM_002692.4 (MANE Select); coding-DNA position 244, A replaced by G.
Protein change: p.Ile82Val; replaces isoleucine 82 with valine.
Molecular consequence: missense variant. On other transcripts: synonymous variant (1).
Genome position (GRCh38, 1-based): chr14:49,679,726, T>C on the plus strand (A>G on the coding strand, the complement: POLE2 is on the minus strand). VCF-style: chr14-49679726-T-C. GRCh37 (hg19) VCF-style: chr14-50146444-T-C.
Other names: c.244A>G, p.Ile82Val (NM_001197330.2, NM_001197331.3, NM_001348384.2); c.9A>G, p.Leu3= (NM_001348385.2); short protein forms I82V.
Identifiers: ClinVar variation 2073827 (VCV002073827.4), dbSNP rs2502927145, ClinGen allele CA389614911.